The following is an entry in ClinVar:

NM_153816.6(SNX14):c.2468T>C (p.Leu823Pro)

Gene: SNX14 (sorting nexin 14; minus strand). Cytogenetic location: 6q14.3.
Variant type: single nucleotide variant.
Coding change: c.2468T>C on transcript NM_153816.6 (MANE Select); coding-DNA position 2468, T replaced by C.
Protein change: p.Leu823Pro; replaces leucine 823 with proline.
Molecular consequence: missense variant. On other transcripts: non-coding transcript variant (6), intron variant (2).
Genome position (GRCh38, 1-based): chr6:85,514,159, A>G on the plus strand (T>C on the coding strand, the complement: SNX14 is on the minus strand). VCF-style: chr6-85514159-A-G. GRCh37 (hg19) VCF-style: chr6-86223877-A-G.
Other names: c.2441T>C, p.Leu814Pro (NM_001297614.3); c.2312T>C, p.Leu771Pro (NM_001304479.2); c.2531T>C, p.Leu844Pro (NM_001350532.2); c.2465T>C, p.Leu822Pro (NM_001350533.2, NM_001350535.2); c.2438T>C, p.Leu813Pro (NM_001350534.2); c.2336T>C, p.Leu779Pro (NM_001350536.2); c.2333T>C, p.Leu778Pro (NM_001350537.2); c.2324T>C, p.Leu775Pro (NM_001350538.2); and 10 more; short protein forms L429P, L438P, L473P, L675P, L723P, L726P, L727P, L770P.
Identifiers: ClinVar variation 4278945 (VCV004278945.1).

ClinVar aggregate classification (germline): Uncertain significance (1 of 4 stars; one submission).

Conditions:
Autosomal recessive spinocerebellar ataxia 20. Identifiers: Orphanet 397709, MedGen C5190595, MONDO:0014601, OMIM 616354.

Submission:

Kasturba Medical College, Manipal, Kasturba Medical College, Manipal, Manipal Academy of Higher Education, Manipal, India
Classification: Uncertain significance for Autosomal recessive spinocerebellar ataxia 20. Review status: criteria provided, single submitter. Criteria: ACMG Guidelines, 2015. Collection method: research. Allele origin: biparental. Inheritance: Autosomal recessive inheritance. Affected: yes. Observed: 1 homozygote.
Comment: This variant is absent in our in-house data of 3802 exomes and in gnomAD database (v4.1.0). In silico prediction tools (CADD_phred, Revel) are consistent in predicting the variant to be damaging the SNX14 protein function.